The following is an entry in ClinVar:

NM_001324418.2(ADAM22):c.2280T>C (p.Tyr760=)

Gene: ADAM22 (ADAM metallopeptidase domain 22; plus strand). Cytogenetic location: 7q21.12.
Variant type: single nucleotide variant.
Coding change: c.2280T>C on transcript NM_001324418.2 (MANE Select); coding-DNA position 2280, T replaced by C.
Protein change: p.Tyr760=; no amino-acid change (tyrosine 760 retained).
Molecular consequence: synonymous variant.
Genome position (GRCh38, 1-based): chr7:88,168,225, T>C. VCF-style: chr7-88168225-T-C. GRCh37 (hg19) VCF-style: chr7-87797540-T-C.
Other names: c.2277T>C, p.Tyr759= (NM_001324417.2, NM_001324419.2, NM_001391978.1 and 2 more transcripts); c.2280T>C, p.Tyr760= (NM_001324420.2, NM_001324421.2, NM_001391976.1 and 6 more transcripts); c.2331T>C, p.Tyr777= (NM_001391975.1, NM_001391980.1); c.2256T>C, p.Tyr752= (NM_001391982.1).
Identifiers: ClinVar variation 3058529 (VCV003058529.2), dbSNP rs939683415, ClinGen allele CA162133151.

ClinVar aggregate classification (germline): Likely benign (0 of 4 stars; one submission).

Conditions:
ADAM22-related disorder. Also called: ADAM22-related condition.

Allele frequency attached by ClinVar (database versions not stated): gnomAD exomes 0.00001; gnomAD 0.00008; TOPMed 0.00008.
gnomAD v4.1: 35 of 1,612,144 alleles (0.0022%); highest among the groups gnomAD compares: African/African-American, 0.035%; no homozygotes.

Submission:

PreventionGenetics, part of Exact Sciences
Classification: Likely benign for ADAM22-related condition. Last evaluated: 2019-05-06. Review status: no assertion criteria provided. Collection method: clinical testing. Allele origin: germline.
Comment: This variant is classified as likely benign based on ACMG/AMP sequence variant interpretation guidelines (Richards et al. 2015 PMID: 25741868, with internal and published modifications).